The following is an entry in ClinVar:

ClinVar aggregate classification (germline): Pathogenic. Review status: criteria provided, single submitter (1 of 4 stars). 2 submissions from 2 submitters: Pathogenic (1). 1 of the submissions does not count toward it. Last evaluated 2024-05-20.

Conditions:
Retinitis pigmentosa (RP). Identifiers: Orphanet 791, MedGen C0035334, MeSH D012174, MONDO:0019200, OMIM 268000. Inheritance: Autosomal dominant, autosomal recessive and X linked inheritance.

Submissions (2):

Labcorp Genetics (formerly Invitae), Labcorp
Classification: Pathogenic. Last evaluated: 2024-05-20. Review status: criteria provided, single submitter. Criteria: Invitae Variant Classification Sherloc (09022015). Collection method: clinical testing. Allele origin: germline.
Comment: This sequence change replaces threonine, which is neutral and polar, with lysine, which is basic and polar, at codon 4425 of the USH2A protein (p.Thr4425Lys). This variant is not present in population databases (gnomAD no frequency). This missense change has been observed in individuals with retinitis pigmentosa (PMID: 30718709; Invitae). ClinVar contains an entry for this variant (Variation ID: 636116). Advanced modeling of protein sequence and biophysical properties (such as structural, functional, and spatial information, amino acid conservation, physicochemical variation, residue mobility, and thermodynamic stability) performed at Invitae indicates that this missense variant is expected to disrupt USH2A protein function with a positive predictive value of 95%. This variant disrupts the p.Thr4425 amino acid residue in USH2A. Other variant(s) that disrupt this residue have been determined to be pathogenic (PMID: 24944099, 31266775, 32188678, 32581362). This suggests that this residue is clinically significant, and that variants that disrupt this residue are likely to be disease-causing. For these reasons, this variant has been classified as Pathogenic.

Department of Clinical Genetics, Copenhagen University Hospital, Rigshospitalet
Classification: Likely pathogenic for Retinitis pigmentosa. Last evaluated: 2018-04-01. Review status: no assertion criteria provided. Collection method: research. Allele origin: unknown. Affected: yes. Study: VeluxRD. Not counted in ClinVar's aggregate classification.

Literature cited by the submitters: PubMed 30718709 (cited by Labcorp Genetics (formerly Invitae), Labcorp and Department of Clinical Genetics, Copenhagen University Hospital, Rigshospitalet); PubMed 24944099 (cited by Labcorp Genetics (formerly Invitae), Labcorp); PubMed 31266775 (cited by Labcorp Genetics (formerly Invitae), Labcorp); PubMed 32188678 (cited by Labcorp Genetics (formerly Invitae), Labcorp); PubMed 32581362 (cited by Labcorp Genetics (formerly Invitae), Labcorp).

NM_206933.4(USH2A):c.13274C>A (p.Thr4425Lys)

Gene: USH2A (usherin; minus strand). Cytogenetic location: 1q41.
Variant type: single nucleotide variant.
Coding change: c.13274C>A on transcript NM_206933.4 (MANE Select); coding-DNA position 13274, C replaced by A.
Protein change: p.Thr4425Lys; replaces threonine 4425 with lysine.
Molecular consequence: missense variant.
Genome position (GRCh38, 1-based): chr1:215,674,637, G>T on the plus strand (C>A on the coding strand, the complement: USH2A is on the minus strand). VCF-style: chr1-215674637-G-T. GRCh37 (hg19) VCF-style: chr1-215847979-G-T.
Other names: short protein forms T4425K.
Identifiers: ClinVar variation 636116 (VCV000636116.4), dbSNP rs201238640, ClinGen allele CA344845910.